The following is an entry in ClinVar:

NM_003119.4(SPG7):c.943C>T (p.His315Tyr)

Gene: SPG7 (SPG7 matrix AAA peptidase subunit, paraplegin; plus strand). Cytogenetic location: 16q24.3.
Variant type: single nucleotide variant.
Coding change: c.943C>T on transcript NM_003119.4 (MANE Select); coding-DNA position 943, C replaced by T.
Protein change: p.His315Tyr; replaces histidine 315 with tyrosine.
Molecular consequence: missense variant.
Genome position (GRCh38, 1-based): chr16:89,530,764, C>T. VCF-style: chr16-89530764-C-T. GRCh37 (hg19) VCF-style: chr16-89597172-C-T.
Other names: c.943C>T, p.His315Tyr (NM_001363850.1, NM_199367.3); short protein forms H315Y.
Identifiers: ClinVar variation 2849468 (VCV002849468.2), dbSNP rs747785297, ClinGen allele CA8243852.

ClinVar aggregate classification (germline): Uncertain significance (1 of 4 stars; one submission).

Conditions:
Hereditary spastic paraplegia 7 (SPG7). Also called: SPG7-related neurologic disorder; Spastic paraplegia 7; Hereditary spastic paraplegia Paraplegin type; Autosomal recessive spastic paraplegia type 7; SPASTIC PARAPLEGIA 7, AUTOSOMAL RECESSIVE, WITH OR WITHOUT CEREBELLAR ATAXIA. Identifiers: Orphanet 99013, MedGen C1846564, MONDO:0011803, OMIM 607259.

Allele frequency attached by ClinVar (database versions not stated): gnomAD exomes 0.00003; gnomAD 0.00001; ExAC 0.00002.
gnomAD v4.1: 39 of 1,614,036 alleles (0.0024%); highest among the groups gnomAD compares: Non-Finnish European, 0.0032%; no homozygotes.

Submission:

Labcorp Genetics (formerly Invitae), Labcorp
Classification: Uncertain significance for Hereditary spastic paraplegia 7. Last evaluated: 2024-02-14. Review status: criteria provided, single submitter. Criteria: Invitae Variant Classification Sherloc (09022015). Collection method: clinical testing. Allele origin: germline.
Comment: This sequence change replaces histidine, which is basic and polar, with tyrosine, which is neutral and polar, at codon 315 of the SPG7 protein (p.His315Tyr). This variant is present in population databases (rs747785297, gnomAD 0.007%). This variant has not been reported in the literature in individuals affected with SPG7-related conditions. Advanced modeling of protein sequence and biophysical properties (such as structural, functional, and spatial information, amino acid conservation, physicochemical variation, residue mobility, and thermodynamic stability) performed at Invitae indicates that this missense variant is not expected to disrupt SPG7 protein function with a negative predictive value of 80%. In summary, the available evidence is currently insufficient to determine the role of this variant in disease. Therefore, it has been classified as a Variant of Uncertain Significance.